The following is an entry in ClinVar:

ClinVar aggregate classification (germline): Uncertain significance (1 of 4 stars; one submission).

Submission:

GeneDx
Classification: Uncertain significance. Last evaluated: 2025-06-10. Review status: criteria provided, single submitter. Criteria: GeneDx Variant Classification Process June 2021. Collection method: clinical testing. Allele origin: germline. Affected: yes.
Comment: Not observed at significant frequency in large population cohorts (gnomAD); In silico analysis supports that this missense variant has a deleterious effect on protein structure/function; Has not been previously published as pathogenic or benign to our knowledge

NM_001394998.1(TANC2):c.3473A>G (p.Asp1158Gly)

Genes: TANC2 (tetratricopeptide repeat, ankyrin repeat and coiled-coil containing 2; plus strand), LOC105371856 (uncharacterized LOC105371856; minus strand). Cytogenetic location: 17q23.3.
Variant type: single nucleotide variant.
Coding change: c.3473A>G on transcript NM_001394998.1 (MANE Select); coding-DNA position 3473, A replaced by G.
Protein change: p.Asp1158Gly; replaces aspartic acid 1158 with glycine.
Molecular consequence: missense variant.
Genome position (GRCh38, 1-based): chr17:63,406,161, A>G. VCF-style: chr17-63406161-A-G. GRCh37 (hg19) VCF-style: chr17-61483522-A-G.
Other names: c.3251A>G, p.Asp1084Gly (NM_001411076.1, NM_025185.4); short protein forms D1084G, D1158G.
Identifiers: ClinVar variation 4538130 (VCV004538130.1).